The following is an entry in ClinVar:

ClinVar aggregate classification (germline): Conflicting classifications of pathogenicity. Review status: criteria provided, conflicting classifications (1 of 4 stars). 3 submissions from 3 submitters: Uncertain significance (1); Likely benign (2). Last evaluated 2026-01-12.

Conditions:
Niemann-Pick disease, type A. Also called: Infantile Neurovisceral ASMD (Niemann-Pick Disease Type A; NPD-A); SPHINGOMYELIN LIPIDOSIS; SPHINGOMYELINASE DEFICIENCY. Identifiers: Orphanet 77292, MedGen C0268242, MONDO:0009756, OMIM 257200. Disease mechanism: loss of function.
Niemann-Pick disease, type B. Also called: Chronic Visceral ASMD (Niemann-Pick Disease Type B; NPD-B). Identifiers: Orphanet 77293, MedGen C0268243, MONDO:0011871, OMIM 607616. Disease mechanism: loss of function.
Sphingomyelin/cholesterol lipidosis. Also called: Niemann-Pick disease. Identifiers: MedGen C0028064, MONDO:0001982.

Allele frequency attached by ClinVar (database versions not stated): gnomAD exomes 0.00003 and 0.00009; ExAC 0.00014; ESP Exome Variant Server 0.00023; 1000 Genomes Project 30x 0.00031; gnomAD 0.00032 and 0.00033; TOPMed 0.00034; 1000 Genomes Project 0.00040.

Submissions (3):

Labcorp Genetics (formerly Invitae), Labcorp
Classification: Likely benign for Niemann-Pick disease, type B; Niemann-Pick disease, type A. Last evaluated: 2026-01-12. Review status: criteria provided, single submitter. Criteria: Invitae Variant Classification Sherloc (09022015). Collection method: clinical testing. Allele origin: germline.

Broad Center for Mendelian Genomics, Broad Institute of MIT and Harvard
Classification: Likely benign for Sphingomyelin/cholesterol lipidosis. Last evaluated: 2020-01-22. Review status: criteria provided, single submitter. Criteria: ACMG Guidelines, 2015. Collection method: curation. Allele origin: germline. Inheritance: Autosomal recessive inheritance.
Comment: The c.1091+10G>A variant in SMPD1 has not been previously reported in individuals with Niemann-Pick disease, but has been identified in 0.120% (30/29414) of African chromosomes, 0.005% (1/19944) of East Asian chromosomes, and 0.003% (1/35414) of Latino chromosomes by the Genome Aggregation Database (gnomAD; dbSNP rs148067213). This variant has also been reported in ClinVar (VariationID: 498584) as likely benign by Invitae and as a VUS by EGL Genetic Diagnostics. Computational prediction tools, including splice predictors, and conservation analyses suggest that this variant may not impact the protein, though this information is not predictive enough to rule out pathogenicity. In summary, although additional studies are required to fully establish its clinical significance, this variant is likely benign. ACMG/AMP Criteria applied: BS1, BP4, BP7 (Richards 2015).

Eurofins Ntd Llc (ga)
Classification: Uncertain significance. Last evaluated: 2018-04-04. Review status: criteria provided, single submitter. Criteria: EGL ClinVar v180209 classification definitions. Collection method: clinical testing. Allele origin: germline. Observed: 3 variant alleles, 3 heterozygotes.

NM_000543.5(SMPD1):c.1091+10G>A

Gene: SMPD1 (sphingomyelin phosphodiesterase 1; plus strand). Cytogenetic location: 11p15.4.
Variant type: single nucleotide variant.
Coding change: c.1091+10G>A on transcript NM_000543.5 (MANE Select); 10 bases into the intron after coding-DNA position 1091, G replaced by A.
Molecular consequence: intron variant. On other transcripts: missense variant (1), synonymous variant (1).
Genome position (GRCh38, 1-based): chr11:6,392,166, G>A. VCF-style: chr11-6392166-G-A. GRCh37 (hg19) VCF-style: chr11-6413396-G-A.
Other names: c.140G>A, p.Arg47His (NM_001318088.2); c.1101G>A, p.Ser367= (NM_001365135.2); c.1091+10G>A (NM_001318087.2); c.1088+10G>A (NM_001007593.3); short protein forms R47H.
Identifiers: ClinVar variation 498584 (VCV000498584.17), dbSNP rs148067213, ClinGen allele CA5852755.